The following is an entry in ClinVar:

NM_005762.3(TRIM28):c.1699A>G (p.Thr567Ala)

Gene: TRIM28 (tripartite motif containing 28; plus strand). Cytogenetic location: 19q13.43.
Variant type: single nucleotide variant.
Coding change: c.1699A>G on transcript NM_005762.3 (MANE Select); coding-DNA position 1699, A replaced by G.
Protein change: p.Thr567Ala; replaces threonine 567 with alanine.
Molecular consequence: missense variant.
Genome position (GRCh38, 1-based): chr19:58,549,367, A>G. VCF-style: chr19-58549367-A-G. GRCh37 (hg19) VCF-style: chr19-59060734-A-G.
Other names: c.1699A>G (NM_005762.2); short protein forms T567A.
Identifiers: ClinVar variation 2712323 (VCV002712323.12), dbSNP rs147365781, ClinGen allele CA9719366.
Genomic context (GRCh38, chr19:58,549,367, plus strand): 5'-ACACCCCTCATCACCACCTTGCAGGAGGAGGAGACGGAGGCTGCCATTGGAGCCCCTCCT[A>G]CTGCCACTGAGGGCCCTGAGACCAAACCTGTGCTTATGGCTCTTGCGGAGGGTCCTGGTG-3'
Protein context (NP_005753.1, residues 557-577): ETEAAIGAPP[Thr567Ala]ATEGPETKPV

ClinVar aggregate classification (germline): Benign/Likely benign. Review status: criteria provided, multiple submitters, no conflicts (2 of 4 stars). 3 submissions from 3 submitters: Benign (1); Likely benign (1). 1 of the submissions does not count toward it. Last evaluated 2025-12-10.

Conditions:
TRIM28-related disorder. Also called: TRIM28-related condition.

Allele frequency attached by ClinVar (database versions not stated): gnomAD exomes 0.00021; ExAC 0.00068; ESP Exome Variant Server 0.00192; gnomAD 0.00211; TOPMed 0.00237; 1000 Genomes Project 0.00240; 1000 Genomes Project 30x 0.00281.
gnomAD v4.1: 629 of 1,571,132 alleles (0.04%); highest among the groups gnomAD compares: African/African-American, 0.72%; 2 homozygotes.

Submissions (3):

Labcorp Genetics (formerly Invitae), Labcorp
Classification: Benign. Last evaluated: 2025-12-10. Review status: criteria provided, single submitter. Criteria: Invitae Variant Classification Sherloc (09022015). Collection method: clinical testing. Allele origin: germline.

CeGaT Center for Human Genetics Tuebingen
Classification: Likely benign. Last evaluated: 2025-09-01. Review status: criteria provided, single submitter. Criteria: CeGaT Center For Human Genetics Tuebingen Variant Classification Criteria Version 2. Collection method: clinical testing. Allele origin: germline. Affected: yes. Observed: 1 variant allele.
Comment: TRIM28: BS1

PreventionGenetics, part of Exact Sciences
Classification: Benign for TRIM28-related condition. Last evaluated: 2019-11-16. Review status: no assertion criteria provided. Collection method: clinical testing. Allele origin: germline. Not counted in ClinVar's aggregate classification.
Comment: This variant is classified as benign based on ACMG/AMP sequence variant interpretation guidelines (Richards et al. 2015 PMID: 25741868, with internal and published modifications).